The following is an entry in ClinVar:

NM_006164.5(NFE2L2):c.667G>T (p.Val223Phe)

Gene: NFE2L2 (NFE2 like bZIP transcription factor 2; minus strand). Cytogenetic location: 2q31.2.
Variant type: single nucleotide variant.
Coding change: c.667G>T on transcript NM_006164.5 (MANE Select); coding-DNA position 667, G replaced by T.
Protein change: p.Val223Phe; replaces valine 223 with phenylalanine.
Molecular consequence: missense variant.
Genome position (GRCh38, 1-based): chr2:177,231,936, C>A on the plus strand (G>T on the coding strand, the complement: NFE2L2 is on the minus strand). VCF-style: chr2-177231936-C-A. GRCh37 (hg19) VCF-style: chr2-178096664-C-A.
Other names: c.619G>T, p.Val207Phe (NM_001145412.3, NM_001313900.1, NM_001313901.1); c.598G>T, p.Val200Phe (NM_001145413.3); c.577G>T, p.Val193Phe (NM_001313902.2); c.448G>T, p.Val150Phe (NM_001313903.2); c.367G>T, p.Val123Phe (NM_001313904.1); c.667G>T (NM_006164.4, NM_006164.3); short protein forms V123F, V200F, V207F, V193F, V223F, V150F.
Identifiers: ClinVar variation 1425082 (VCV001425082.8), dbSNP rs372577933, ClinGen allele CA1979814.

ClinVar aggregate classification (germline): Conflicting classifications of pathogenicity. Review status: criteria provided, conflicting classifications (1 of 4 stars). 3 submissions from 3 submitters: Uncertain significance (1); Benign (1). 1 of the submissions does not count toward it. Last evaluated 2025-11-17.

Conditions:
NFE2L2-related disorder. Also called: NFE2L2-related condition.

Allele frequency attached by ClinVar (database versions not stated): ExAC 0.00002; TOPMed 0.00003; gnomAD 0.00007; ESP Exome Variant Server 0.00008.
gnomAD v4.1: 157 of 1,613,950 alleles (0.0097%); highest among the groups gnomAD compares: Non-Finnish European, 0.012%; no homozygotes.

Submissions (3):

Labcorp Genetics (formerly Invitae), Labcorp
Classification: Benign. Last evaluated: 2025-11-17. Review status: criteria provided, single submitter. Criteria: Invitae Variant Classification Sherloc (09022015). Collection method: clinical testing. Allele origin: germline.

Ambry Genetics
Classification: Uncertain significance. Last evaluated: 2024-12-25. Review status: criteria provided, single submitter. Criteria: Ambry Variant Classification Scheme 2023. Collection method: clinical testing. Allele origin: germline.

PreventionGenetics, part of Exact Sciences
Classification: Uncertain significance for NFE2L2-related condition. Last evaluated: 2024-08-21. Review status: no assertion criteria provided. Collection method: clinical testing. Allele origin: germline. Not counted in ClinVar's aggregate classification.
Comment: The NFE2L2 c.667G>T variant is predicted to result in the amino acid substitution p.Val223Phe. To our knowledge, this variant has not been reported in the literature. This variant is reported in 0.0093% of alleles in individuals of European (Non-Finnish) descent in gnomAD, which may be too common to be causative. Although we suspect that this variant may be benign, at this time, the clinical significance of this variant is uncertain due to the absence of conclusive functional and genetic evidence.